The following is an entry in ClinVar:

NM_006514.4(SCN10A):c.2852T>A (p.Leu951His)

Genes: SCN10A (sodium voltage-gated channel alpha subunit 10; minus strand), LOC110121288 (VISTA enhancer hs2268; plus strand). Cytogenetic location: 3p22.2.
Variant type: single nucleotide variant.
Coding change: c.2852T>A on transcript NM_006514.4 (MANE Select); coding-DNA position 2852, T replaced by A.
Protein change: p.Leu951His; replaces leucine 951 with histidine.
Molecular consequence: missense variant.
Genome position (GRCh38, 1-based): chr3:38,726,841, A>T on the plus strand (T>A on the coding strand, the complement: SCN10A is on the minus strand). VCF-style: chr3-38726841-A-T. GRCh37 (hg19) VCF-style: chr3-38768332-A-T.
Other names: c.2852T>A, p.Leu951His (NM_001293306.2); c.2558T>A, p.Leu853His (NM_001293307.2); short protein forms L853H, L951H.
Identifiers: ClinVar variation 1027260 (VCV001027260.7), dbSNP rs755728923, ClinGen allele CA2320418.
Genomic context (GRCh38, chr3:38,726,841, plus strand): 5'-GAGCTCCCCCTGGCAGTGTTGGCAGCAATGTGGTTCTCAGCCTTGGAGCTGGAGAGTGGG[A>T]GTTTCACCACCAGCTCAGGCTCTGCCTTGGGCTGGGGGAATGGGCAGGACCTGCTGAAGA-3'
Protein context (NP_006505.4, residues 941-961): PKAEPELVVK[Leu951His]PLSSSKAENH

ClinVar aggregate classification (germline): Conflicting classifications of pathogenicity. Review status: criteria provided, conflicting classifications (1 of 4 stars). 3 submissions from 3 submitters: Uncertain significance (2); Likely benign (1). Last evaluated 2026-09-12.

Conditions:
Brugada syndrome. Also called: Sudden unexpected nocturnal death syndrome; Sudden Unexplained Death Syndrome; Sudden Unexplained Nocturnal Death Syndrome (SUNDS); Sudden unexplained nocturnal death syndrome. Identifiers: Orphanet 130, MedGen C1142166, MONDO:0015263.
Cardiovascular phenotype. Identifiers: MedGen CN230736.

Allele frequency attached by ClinVar (database versions not stated): ExAC 0.00002; gnomAD exomes 0.00004 and 0.00001; TOPMed 0.00002; gnomAD 0.00001.
gnomAD v4.1: 13 of 1,613,770 alleles (0.00081%); highest among the groups gnomAD compares: East Asian, 0.027%; no homozygotes.

Submissions (3):

Ambry Genetics
Classification: Likely benign for Cardiovascular phenotype. Last evaluated: 2026-09-12. Review status: criteria provided, single submitter. Criteria: Ambry Variant Classification Scheme 2023. Collection method: clinical testing. Allele origin: germline.

Labcorp Genetics (formerly Invitae), Labcorp
Classification: Uncertain significance for Brugada syndrome. Last evaluated: 2022-04-17. Review status: criteria provided, single submitter. Criteria: Invitae Variant Classification Sherloc (09022015). Collection method: clinical testing. Allele origin: germline.
Comment: This sequence change replaces leucine, which is neutral and non-polar, with histidine, which is basic and polar, at codon 951 of the SCN10A protein (p.Leu951His). This variant is present in population databases (rs755728923, gnomAD 0.05%). This variant has not been reported in the literature in individuals affected with SCN10A-related conditions. ClinVar contains an entry for this variant (Variation ID: 1027260). Advanced modeling of protein sequence and biophysical properties (such as structural, functional, and spatial information, amino acid conservation, physicochemical variation, residue mobility, and thermodynamic stability) performed at Invitae indicates that this missense variant is not expected to disrupt SCN10A protein function. In summary, the available evidence is currently insufficient to determine the role of this variant in disease. Therefore, it has been classified as a Variant of Uncertain Significance.

GeneDx
Classification: Uncertain significance. Last evaluated: 2022-03-31. Review status: criteria provided, single submitter. Criteria: GeneDx Variant Classification Process June 2021. Collection method: clinical testing. Allele origin: germline. Affected: yes.
Comment: Has not been previously published as pathogenic or benign to our knowledge; In silico analysis supports that this missense variant does not alter protein structure/function